The following is an entry in ClinVar:

NM_000111.3(SLC26A3):c.659A>C (p.His220Pro)

Gene: SLC26A3 (solute carrier family 26 member 3; minus strand). Cytogenetic location: 7q22.3.
Variant type: single nucleotide variant.
Coding change: c.659A>C on transcript NM_000111.3 (MANE Select); coding-DNA position 659, A replaced by C.
Protein change: p.His220Pro; replaces histidine 220 with proline.
Molecular consequence: missense variant.
Genome position (GRCh38, 1-based): chr7:107,789,600, T>G on the plus strand (A>C on the coding strand, the complement: SLC26A3 is on the minus strand). VCF-style: chr7-107789600-T-G. GRCh37 (hg19) VCF-style: chr7-107430045-T-G.
Other names: short protein forms H220P.
Identifiers: ClinVar variation 56008 (VCV000056008.2), dbSNP rs386833489, ClinGen allele CA144113.
Genomic context (GRCh38, chr7:107,789,600, plus strand): 5'-GGATCAGTGTGTGACGGGACTGTCAACTGAAAAATGAATTTGAGTTGGGAAACCAAAACA[T>G]GAACAGCAGCAGCAGTAGTGAAGCCACTGATGAGGGACTCAGACAGGTATATCACTACAA-3'
Protein context (NP_000102.1, residues 210-230): ISGFTTAAAV[His220Pro]VLVSQLKFIF

ClinVar aggregate classification (germline): Likely pathogenic (0 of 4 stars; one submission).

Conditions:
Congenital secretory diarrhea, chloride type (DIAR1). Also called: DIARRHEA 1, SECRETORY CHLORIDE, CONGENITAL; CHLORIDORRHEA, CONGENITAL; CHLORIDE DIARRHEA, CONGENITAL, FINNISH TYPE. Identifiers: Orphanet 53689, MedGen C0267662, MONDO:0008964, OMIM 214700.

Submission:

Juha Muilu Group; Institute for Molecular Medicine Finland (FIMM)
Classification: Likely pathogenic for Congenital secretory diarrhea, chloride type. Review status: no assertion criteria provided. Collection method: not provided. Allele origin: unknown.
Comment: FinDis database variant: This variant was not found or characterized by our laboratory, data were collected from public sources: see reference
ClinVar note: Converted during submission from probable-pathogenic to Likely pathogenic.